The following is an entry in ClinVar:

ClinVar aggregate classification (germline): Pathogenic (1 of 4 stars; one submission).

Submission:

Labcorp Genetics (formerly Invitae), Labcorp
Classification: Pathogenic. Last evaluated: 2024-01-12. Review status: criteria provided, single submitter. Criteria: Invitae Variant Classification Sherloc (09022015). Collection method: clinical testing. Allele origin: unknown.
Comment: This variant is a gross deletion of the genomic region encompassing exon(s) 22-32 of the USH2A gene. This variant would be expected to be in-frame, preserving the integrity of the reading frame. This variant has not been reported in the literature in individuals affected with USH2A-related conditions. The region of the USH2A gene that includes exon(s) 22-23 has been determined to be clinically significant (PMID: 17405132, 23924366). Therefore, deletions that encompass that region are likely to be disease-causing. For these reasons, this variant has been classified as Pathogenic.

Literature cited by the submitters: PubMed 17405132; PubMed 23924366.

NC_000001.10:g.(?_216219753)_(216270575_?)del

Gene: USH2A (usherin; minus strand). Cytogenetic location: 1q41.
Variant type: Deletion.
Identifiers: ClinVar variation 3248055 (VCV003248055.1).